The following is an entry in ClinVar:

ClinVar aggregate classification (germline): Uncertain significance (1 of 4 stars; one submission).

Submission:

Labcorp Genetics (formerly Invitae), Labcorp
Classification: Uncertain significance. Last evaluated: 2026-01-24. Review status: criteria provided, single submitter. Criteria: Invitae Variant Classification Sherloc (09022015). Collection method: clinical testing. Allele origin: germline.
Comment: This sequence change replaces glycine, which is neutral and non-polar, with glutamic acid, which is acidic and polar, at codon 20 of the ROM1 protein (p.Gly20Glu). This variant is not present in population databases (gnomAD no frequency). This variant has not been reported in the literature in individuals affected with ROM1-related conditions. Invitae Evidence Modeling of protein sequence and biophysical properties (such as structural, functional, and spatial information, amino acid conservation, physicochemical variation, residue mobility, and thermodynamic stability) indicates that this missense variant is not expected to disrupt ROM1 protein function with a negative predictive value of 80%. In summary, the available evidence is currently insufficient to determine the role of this variant in disease. Therefore, it has been classified as a Variant of Uncertain Significance.

NM_000327.4(ROM1):c.59G>A (p.Gly20Glu)

Gene: ROM1 (retinal outer segment membrane protein 1; plus strand). Cytogenetic location: 11q12.3.
Variant type: single nucleotide variant.
Coding change: c.59G>A on transcript NM_000327.4 (MANE Select); coding-DNA position 59, G replaced by A.
Protein change: p.Gly20Glu; replaces glycine 20 with glutamic acid.
Molecular consequence: missense variant.
Genome position (GRCh38, 1-based): chr11:62,613,340, G>A. VCF-style: chr11-62613340-G-A. GRCh37 (hg19) VCF-style: chr11-62380812-G-A.
Other names: short protein forms G20E.
Identifiers: ClinVar variation 4740077 (VCV004740077.1).